The following is an entry in ClinVar:

ClinVar aggregate classification (germline): Uncertain significance (1 of 4 stars; one submission).

Conditions:
Xanthinuria type II. Also called: Xanthine dehydrogenase and aldehyde oxidase combined deficiency of; XDH and AOX dual deficiency. Identifiers: Orphanet 3467, Orphanet 93602, MedGen C1863688, MONDO:0011346, OMIM 603592.

Allele frequency attached by ClinVar (database versions not stated): gnomAD 0.00001.
gnomAD v4.1: 8 of 1,614,096 alleles (0.0005%); highest among the groups gnomAD compares: Non-Finnish European, 0.00068%; no homozygotes.

Submission:

Labcorp Genetics (formerly Invitae), Labcorp
Classification: Uncertain significance for Xanthinuria type II. Last evaluated: 2022-08-20. Review status: criteria provided, single submitter. Criteria: Invitae Variant Classification Sherloc (09022015). Collection method: clinical testing. Allele origin: germline.
Comment: In summary, the available evidence is currently insufficient to determine the role of this variant in disease. Therefore, it has been classified as a Variant of Uncertain Significance. Variants that disrupt the consensus splice site are a relatively common cause of aberrant splicing (PMID: 17576681, 9536098). Algorithms developed to predict the effect of sequence changes on RNA splicing suggest that this variant may disrupt the consensus splice site. This variant has not been reported in the literature in individuals affected with XDH-related conditions. This variant is not present in population databases (gnomAD no frequency). This sequence change falls in intron 17 of the XDH gene. It does not directly change the encoded amino acid sequence of the XDH protein. It affects a nucleotide within the consensus splice site.

Literature cited by the submitters: PubMed 17576681; PubMed 9536098.

NM_000379.4(XDH):c.1856+5G>C

Gene: XDH (xanthine dehydrogenase; minus strand). Cytogenetic location: 2p23.1.
Variant type: single nucleotide variant.
Coding change: c.1856+5G>C on transcript NM_000379.4 (MANE Select); 5 bases into the intron after coding-DNA position 1856, G replaced by C.
Molecular consequence: intron variant.
Genome position (GRCh38, 1-based): chr2:31,372,223, C>G on the plus strand (G>C on the coding strand, the complement: XDH is on the minus strand). VCF-style: chr2-31372223-C-G. GRCh37 (hg19) VCF-style: chr2-31595089-C-G.
Identifiers: ClinVar variation 2148780 (VCV002148780.4), dbSNP rs1686091752, ClinGen allele CA1028951773.